The following is an entry in ClinVar:

ClinVar aggregate classification (germline): Likely pathogenic (1 of 4 stars; one submission).

Conditions:
Fraser syndrome 1 (FRASRS1). Also called: CRYPTOPHTHALMOS WITH OTHER MALFORMATIONS. Identifiers: Orphanet 2052, MedGen C4551480, MONDO:0054737, OMIM 219000.

Submission:

Women's Health and Genetics/Laboratory Corporation of America, LabCorp
Classification: Likely pathogenic for Fraser syndrome 1. Last evaluated: 2022-04-14. Review status: criteria provided, single submitter. Criteria: LabCorp Variant Classification Summary - May 2015. Collection method: clinical testing. Allele origin: germline.
Comment: Variant summary: FREM2 c.6625dupT (p.Tyr2209LeufsX2) results in a premature termination codon, predicted to cause a truncation of the encoded protein or absence of the protein due to nonsense mediated decay, which are commonly known mechanisms for disease. The variant was absent in 250658 control chromosomes. To our knowledge, no occurrence of c.6625dupT in individuals affected with Cryptophthalmos/Fraser Syndrome and no experimental evidence demonstrating its impact on protein function have been reported. No clinical diagnostic laboratories have submitted clinical-significance assessments for this variant to ClinVar after 2014. Based on the evidence outlined above, the variant was classified as likely pathogenic.

NM_207361.6(FREM2):c.6625dup (p.Tyr2209fs)

Gene: FREM2 (FRAS1 related extracellular matrix 2; plus strand). Cytogenetic location: 13q13.3.
Variant type: Duplication.
Coding change: c.6625dup on transcript NM_207361.6 (MANE Select); coding-DNA position 6625, one base duplicated (T; older notation c.6625dupT).
Protein change: p.Tyr2209fs; shifts the reading frame from tyrosine 2209.
Molecular consequence: frameshift variant.
Genome position (GRCh38, 1-based): chr13:38,850,991, T duplicated. VCF-style (leftmost placement, unchanged base first): chr13-38850990-C-CT. GRCh37 (hg19) VCF-style: chr13-39425127-C-CT.
Other names: short protein forms Y2209fs.
Identifiers: ClinVar variation 1683415 (VCV001683415.1), dbSNP rs2137911471, ClinGen allele CA2573149632.